The following is an entry in ClinVar:

ClinVar aggregate classification (germline): Uncertain significance (1 of 4 stars; one submission).

gnomAD v4.1: 26 of 1,610,112 alleles (0.0016%); highest among the groups gnomAD compares: Non-Finnish European, 0.0021%; no homozygotes.

Submission:

Labcorp Genetics (formerly Invitae), Labcorp
Classification: Uncertain significance. Last evaluated: 2025-03-17. Review status: criteria provided, single submitter. Criteria: Invitae Variant Classification Sherloc (09022015). Collection method: clinical testing. Allele origin: germline.
Comment: This sequence change replaces proline, which is neutral and non-polar, with alanine, which is neutral and non-polar, at codon 6 of the FKBP10 protein (p.Pro6Ala). This variant is present in population databases (no rsID available, gnomAD 0.002%). This variant has not been reported in the literature in individuals affected with FKBP10-related conditions. ClinVar contains an entry for this variant (Variation ID: 1909597). An algorithm developed to predict the effect of missense changes on protein structure and function outputs the following: PolyPhen-2: "Benign". The alanine amino acid residue is found in multiple mammalian species, which suggests that this missense change does not adversely affect protein function. In summary, the available evidence is currently insufficient to determine the role of this variant in disease. Therefore, it has been classified as a Variant of Uncertain Significance.

NM_021939.4(FKBP10):c.16C>G (p.Pro6Ala)

Gene: FKBP10 (FKBP prolyl isomerase 10; plus strand). Cytogenetic location: 17q21.2.
Variant type: single nucleotide variant.
Coding change: c.16C>G on transcript NM_021939.4 (MANE Select); coding-DNA position 16, C replaced by G.
Protein change: p.Pro6Ala; replaces proline 6 with alanine.
Molecular consequence: missense variant.
Genome position (GRCh38, 1-based): chr17:41,813,050, C>G. VCF-style: chr17-41813050-C-G. GRCh37 (hg19) VCF-style: chr17-39969302-C-G.
Other names: short protein forms P6A.
Identifiers: ClinVar variation 1909597 (VCV001909597.3), dbSNP rs1555615647, ClinGen allele CA399513072.